The following is an entry in ClinVar:

ClinVar aggregate classification (germline): Benign. Review status: criteria provided, multiple submitters, no conflicts (2 of 4 stars). 2 submissions from 2 submitters: Benign (2). Last evaluated 2025-12-15.

Conditions:
Epileptic encephalopathy. Identifiers: MedGen C0543888, HP:0200134.

Allele frequency attached by ClinVar (database versions not stated): gnomAD exomes 0.00004 and 0.00013; gnomAD 0.00006 and 0.00007; ExAC 0.00010; TOPMed 0.00014; ESP Exome Variant Server 0.00015; 1000 Genomes Project 30x 0.00016; 1000 Genomes Project 0.00020.
gnomAD v4.1: 69 of 1,612,174 alleles (0.0043%); highest among the groups gnomAD compares: East Asian, 0.094%; no homozygotes.

Submissions (2):

Labcorp Genetics (formerly Invitae), Labcorp
Classification: Benign for Epileptic encephalopathy. Last evaluated: 2025-12-15. Review status: criteria provided, single submitter. Criteria: Invitae Variant Classification Sherloc (09022015). Collection method: clinical testing. Allele origin: germline.

CeGaT Center for Human Genetics Tuebingen
Classification: Benign. Last evaluated: 2022-10-01. Review status: criteria provided, single submitter. Criteria: CeGaT Center For Human Genetics Tuebingen Variant Classification Criteria Version 2. Collection method: clinical testing. Allele origin: germline. Affected: yes. Observed: 1 variant allele.
Comment: GABBR2: BS1, BS2

NM_005458.8(GABBR2):c.2226G>A (p.Pro742=)

Gene: GABBR2 (gamma-aminobutyric acid type B receptor subunit 2; minus strand). Cytogenetic location: 9q22.33.
Variant type: single nucleotide variant.
Coding change: c.2226G>A on transcript NM_005458.8 (MANE Select); coding-DNA position 2226, G replaced by A.
Protein change: p.Pro742=; no amino-acid change (proline 742 retained).
Molecular consequence: synonymous variant.
Genome position (GRCh38, 1-based): chr9:98,306,124, C>T on the plus strand (G>A on the coding strand, the complement: GABBR2 is on the minus strand). VCF-style: chr9-98306124-C-T. GRCh37 (hg19) VCF-style: chr9-101068406-C-T.
Identifiers: ClinVar variation 1170917 (VCV001170917.33), dbSNP rs79435794, ClinGen allele CA5152519.